The following is an entry in ClinVar:

NM_004273.5(CHST3):c.508C>G (p.Arg170Gly)

Gene: CHST3 (carbohydrate sulfotransferase 3; plus strand). Cytogenetic location: 10q22.1.
Variant type: single nucleotide variant.
Coding change: c.508C>G on transcript NM_004273.5 (MANE Select); coding-DNA position 508, C replaced by G.
Protein change: p.Arg170Gly; replaces arginine 170 with glycine.
Molecular consequence: missense variant.
Genome position (GRCh38, 1-based): chr10:72,007,539, C>G. VCF-style: chr10-72007539-C-G. GRCh37 (hg19) VCF-style: chr10-73767297-C-G.
Other names: short protein forms R170G.
Identifiers: ClinVar variation 3716653 (VCV003716653.2).
Genomic context (GRCh38, chr10:72,007,539, plus strand): 5'-GAGTTCTTCAACCAGCAGGGCAACATCTTCTACCTCTTCGAGCCGCTGTGGCACATCGAG[C>G]GCACAGTGTCCTTCGAGCCGGGGGGCGCCAACGCCGCGGGCTCGGCCCTGGTGTACCGCG-3'
Protein context (NP_004264.2, residues 160-180): YLFEPLWHIE[Arg170Gly]TVSFEPGGAN

ClinVar aggregate classification (germline): Uncertain significance (1 of 4 stars; one submission).

Conditions:
Spondyloepiphyseal dysplasia with congenital joint dislocations (SEDCJD). Also called: Chondrodysplasia with Congenital Joint Dislocations, CHST3-Related. Identifiers: Orphanet 263463, MedGen C1837657, MONDO:0007738, OMIM 143095.

Submission:

Labcorp Genetics (formerly Invitae), Labcorp
Classification: Uncertain significance for Spondyloepiphyseal dysplasia with congenital joint dislocations. Last evaluated: 2024-11-14. Review status: criteria provided, single submitter. Criteria: Invitae Variant Classification Sherloc (09022015). Collection method: clinical testing. Allele origin: germline.
Comment: This sequence change replaces arginine, which is basic and polar, with glycine, which is neutral and non-polar, at codon 170 of the CHST3 protein (p.Arg170Gly). This variant is present in population databases (no rsID available, gnomAD 0.003%). This variant has not been reported in the literature in individuals affected with CHST3-related conditions. Invitae Evidence Modeling of protein sequence and biophysical properties (such as structural, functional, and spatial information, amino acid conservation, physicochemical variation, residue mobility, and thermodynamic stability) has been performed for this missense variant. However, the output from this modeling did not meet the statistical confidence thresholds required to predict the impact of this variant on CHST3 protein function. In summary, the available evidence is currently insufficient to determine the role of this variant in disease. Therefore, it has been classified as a Variant of Uncertain Significance.